The following is an entry in ClinVar:

ClinVar aggregate classification (germline): Pathogenic (1 of 4 stars; one submission).

Submission:

Athena Diagnostics
Classification: Pathogenic. Last evaluated: 2025-05-20. Review status: criteria provided, single submitter. Criteria: Athena Diagnostics Criteria. Collection method: clinical testing. Allele origin: unknown.
Comment: This variant is expected to result in the loss of a functional protein. Similar deletions have not been reported in large, multi-ethnic general populations. A similar deletion of exon 19 has been identified in multiple individuals with Duchenne muscular dystrophy (DMD).

Literature cited by the submitters: PubMed 11381192; PubMed 18353051; PubMed 35501714; PubMed 19937601; PubMed 19084397; PubMed 15655674; PubMed 27750387; PubMed 25761239; PubMed 31705731; PubMed 31379145; PubMed 21515508; PubMed 29973226; PubMed 29578119; PubMed 36076667; PubMed 36361501; PubMed 37754746; PubMed 10619712; PubMed 17259292.

Single allele

Gene: DMD (dystrophin; minus strand). Cytogenetic location: Xp21.1.
Variant type: Deletion.
Identifiers: ClinVar variation 4682455 (VCV004682455.1).